The following is an entry in ClinVar:

NM_000051.4(ATM):c.8851-2A>T

Genes: ATM (ATM serine/threonine kinase; plus strand), C11orf65 (chromosome 11 open reading frame 65; minus strand). Cytogenetic location: 11q22.3.
Variant type: single nucleotide variant.
Coding change: c.8851-2A>T on transcript NM_000051.4 (MANE Select); the canonical splice acceptor site of the intron before coding-DNA position 8851, A replaced by T.
Molecular consequence: splice acceptor variant. On other transcripts: intron variant (2).
Genome position (GRCh38, 1-based): chr11:108,365,080, A>T. VCF-style: chr11-108365080-A-T. GRCh37 (hg19) VCF-style: chr11-108235807-A-T.
Other names: c.8851-2A>T (NM_001351834.2); c.640+20840T>A (NM_001330368.2); c.694+20840T>A (NM_001351110.2).
Identifiers: ClinVar variation 2587757 (VCV002587757.2), dbSNP rs886039647, ClinGen allele CA382529517.
Genomic context (GRCh38, chr11:108,365,080, plus strand): 5'-GTTTCTAAGTATGTGATTAAAATGTACATTGTTCTTTTAATACATATGTTCTCTCTGTTT[A>T]GGTCCTTCTATATGATCCACTCTTTGACTGGACCATGAATCCTTTGAAAGCTTTGTATTT-3'

ClinVar aggregate classification (germline): Likely pathogenic (1 of 4 stars; one submission).

Conditions:
Hereditary cancer-predisposing syndrome. Also called: Hereditary Cancer Syndrome; Hereditary neoplastic syndrome; Neoplastic Syndromes, Hereditary; Tumor predisposition. Identifiers: Orphanet 140162, MedGen C0027672, MeSH D009386, MONDO:0015356.

Submission:

Ambry Genetics
Classification: Likely pathogenic for Hereditary cancer-predisposing syndrome. Last evaluated: 2023-06-29. Review status: criteria provided, single submitter. Criteria: Ambry Variant Classification Scheme 2023. Collection method: clinical testing. Allele origin: germline.
Comment: The c.8851-2A>T intronic variant results from an A to T substitution two nucleotides upstream from coding exon 61 in the ATM gene. This variant is considered to be rare based on population cohorts in the Genome Aggregation Database (gnomAD). This nucleotide position is highly conserved in available vertebrate species. In silico splice site analysis predicts that this alteration will weaken the native splice acceptor site. Alterations that disrupt the canonical splice site are expected to cause aberrant splicing, resulting in an abnormal protein or a transcript that is subject to nonsense-mediated mRNA decay. As such, this alteration is classified as likely pathogenic.